The following is an entry in ClinVar:

ClinVar aggregate classification (germline): Likely benign. Review status: criteria provided, single submitter (1 of 4 stars). 2 submissions from 2 submitters: Likely benign (1). 1 of the submissions does not count toward it. Last evaluated 2022-06-14.

Conditions:
MVK-related disorder. Also called: MVK-related disorders; MVK-related condition. Identifiers: MedGen CN239294.

Submissions (2):

Blueprint Genetics
Classification: Likely benign. Last evaluated: 2022-06-14. Review status: criteria provided, single submitter. Criteria: ACMG Guidelines, 2015. Collection method: clinical testing. Allele origin: germline.

PreventionGenetics, part of Exact Sciences
Classification: Likely benign for MVK-related condition. Last evaluated: 2022-04-15. Review status: no assertion criteria provided. Collection method: clinical testing. Allele origin: germline. Not counted in ClinVar's aggregate classification.
Comment: This variant is classified as likely benign based on ACMG/AMP sequence variant interpretation guidelines (Richards et al. 2015 PMID: 25741868, with internal and published modifications).

NM_000431.4(MVK):c.769-19T>G

Gene: MVK (mevalonate kinase; plus strand). Cytogenetic location: 12q24.11.
Variant type: single nucleotide variant.
Coding change: c.769-19T>G on transcript NM_000431.4 (MANE Select); 19 bases into the intron before coding-DNA position 769, T replaced by G.
Molecular consequence: intron variant.
Genome position (GRCh38, 1-based): chr12:109,591,222, T>G. VCF-style: chr12-109591222-T-G. GRCh37 (hg19) VCF-style: chr12-110029027-T-G.
Other names: c.769-19T>G (NM_001414511.1, NM_001414513.1, NM_001114185.3); c.844-19T>G (NM_001414512.1); c.613-19T>G (NM_001414514.1, NM_001301182.2); c.187-19T>G (NM_001414515.1).
Identifiers: ClinVar variation 3032876 (VCV003032876.3), dbSNP rs2548637108, ClinGen allele CA2620818474.